The following is an entry in ClinVar:

ClinVar aggregate classification (germline): Benign/Likely benign. Review status: criteria provided, multiple submitters, no conflicts (2 of 4 stars). 6 submissions from 6 submitters: Benign (1); Likely benign (4). 1 of the submissions does not count toward it. Last evaluated 2026-07-01.

Conditions:
FAT4-related disorder. Also called: FAT4-related condition.

Allele frequency attached by ClinVar (database versions not stated): ESP Exome Variant Server 0.00138; gnomAD 0.00172 and 0.00181; 1000 Genomes Project 30x 0.00187; 1000 Genomes Project 0.00200; TOPMed 0.00201.
gnomAD v4.1: 629 of 1,614,138 alleles (0.039%); highest among the groups gnomAD compares: African/African-American, 0.66%; 2 homozygotes.

Submissions (6):

CeGaT Center for Human Genetics Tuebingen
Classification: Likely benign. Last evaluated: 2026-07-01. Review status: criteria provided, single submitter. Criteria: CeGaT Center For Human Genetics Tuebingen Variant Classification Criteria Version 2. Collection method: clinical testing. Allele origin: germline. Affected: yes. Observed: 2 variant alleles.
Comment: FAT4: BP4, BP7

Women's Health and Genetics/Laboratory Corporation of America, LabCorp
Classification: Likely benign. Last evaluated: 2026-04-15. Review status: criteria provided, single submitter. Criteria: LabCorp Variant Classification Summary - May 2015. Collection method: clinical testing. Allele origin: germline.

Labcorp Genetics (formerly Invitae), Labcorp
Classification: Benign. Last evaluated: 2026-01-02. Review status: criteria provided, single submitter. Criteria: Invitae Variant Classification Sherloc (09022015). Collection method: clinical testing. Allele origin: germline.

Blueprint Genetics
Classification: Likely benign. Last evaluated: 2024-10-28. Review status: criteria provided, single submitter. Criteria: ACMG Guidelines, 2015. Collection method: clinical testing. Allele origin: germline.

GeneDx
Classification: Likely benign. Last evaluated: 2020-10-07. Review status: criteria provided, single submitter. Criteria: GeneDx Variant Classification Process June 2021. Collection method: clinical testing. Allele origin: germline. Affected: yes.

PreventionGenetics, part of Exact Sciences
Classification: Likely benign for FAT4-related condition. Last evaluated: 2020-01-29. Review status: no assertion criteria provided. Collection method: clinical testing. Allele origin: germline. Not counted in ClinVar's aggregate classification.
Comment: This variant is classified as likely benign based on ACMG/AMP sequence variant interpretation guidelines (Richards et al. 2015 PMID: 25741868, with internal and published modifications).

NM_001291303.3(FAT4):c.13404G>A (p.Val4468=)

Gene: FAT4 (FAT atypical cadherin 4; plus strand). Cytogenetic location: 4q28.1.
Variant type: single nucleotide variant.
Coding change: c.13404G>A on transcript NM_001291303.3 (MANE Select); coding-DNA position 13404, G replaced by A.
Protein change: p.Val4468=; no amino-acid change (valine 4468 retained).
Molecular consequence: synonymous variant.
Genome position (GRCh38, 1-based): chr4:125,490,220, G>A. VCF-style: chr4-125490220-G-A. GRCh37 (hg19) VCF-style: chr4-126411375-G-A.
Other names: c.13401G>A, p.Val4467= (NM_001291285.3); c.13398G>A, p.Val4466= (NM_024582.6).
Identifiers: ClinVar variation 380803 (VCV000380803.39), dbSNP rs149993049, ClinGen allele CA3074361.